The following is an entry in ClinVar:

ClinVar aggregate classification (germline): Pathogenic/Likely pathogenic. Review status: criteria provided, multiple submitters, no conflicts (2 of 4 stars). 4 submissions from 4 submitters: Pathogenic (3); Likely pathogenic (1). Last evaluated 2024-04-30.

Conditions:
Cardiovascular phenotype. Identifiers: MedGen CN230736.
Hereditary cancer-predisposing syndrome. Also called: Neoplastic Syndromes, Hereditary; Tumor predisposition; Hereditary Cancer Syndrome; Hereditary neoplastic syndrome. Identifiers: Orphanet 140162, MedGen C0027672, MeSH D009386, MONDO:0015356.
NF1-related disorder. Also called: NF1-related condition. Identifiers: MedGen CN379171.
Juvenile myelomonocytic leukemia (JMML). Also called: LEUKEMIA, JUVENILE MYELOMONOCYTIC, SOMATIC. Identifiers: Orphanet 86834, MedGen C0349639, MONDO:0011908, OMIM 607785, HP:0012209.
Neurofibromatosis, type 1 (NF1). Also called: VON RECKLINGHAUSEN DISEASE; NEUROFIBROMATOSIS, TYPE I, SOMATIC; Peripheral type neurofibromatosis; Neurofibromatosis, type I. Identifiers: Orphanet 636, MedGen C0027831, MONDO:0018975, OMIM 162200. Disease mechanism: loss of function.

Submissions (4):

Blueprint Genetics
Classification: Pathogenic for NF1-related disorders. Last evaluated: 2024-04-30. Review status: criteria provided, single submitter. Criteria: ACMG Guidelines, 2015. Collection method: clinical testing. Allele origin: germline. Affected: yes. Observed: 1 variant allele.

Baylor Genetics
Classification: Pathogenic for Juvenile myelomonocytic leukemia. Last evaluated: 2023-03-30. Review status: criteria provided, single submitter. Criteria: ACMG Guidelines, 2015. Collection method: clinical testing. Allele origin: unknown.

Ambry Genetics
Classification: Likely pathogenic for Cardiovascular phenotype; Hereditary cancer-predisposing syndrome. Last evaluated: 2021-08-06. Review status: criteria provided, single submitter. Criteria: Ambry Variant Classification Scheme 2023. Collection method: clinical testing. Allele origin: germline.
Comment: The c.6642-1G>C intronic variant results from a G to C substitution one nucleotide upstream from coding exon 44 of the NF1 gene. Alterations that disrupt the canonical splice site are expected to cause aberrant splicing, resulting in an abnormal protein or a transcript that is subject to nonsense-mediated mRNA decay. This variant is considered to be rare based on population cohorts in the Genome Aggregation Database (gnomAD). This nucleotide position is highly conserved in available vertebrate species. In silico splice site analysis predicts that this alteration will weaken the native splice acceptor site; however, direct evidence is insufficient at this time (Ambry internal data). Based on the majority of available evidence to date, this variant is likely to be pathogenic.

Labcorp Genetics (formerly Invitae), Labcorp
Classification: Pathogenic for Neurofibromatosis, type 1. Last evaluated: 2021-06-17. Review status: criteria provided, single submitter. Criteria: Invitae Variant Classification Sherloc (09022015). Collection method: clinical testing. Allele origin: germline.
Comment: For these reasons, this variant has been classified as Pathogenic. Algorithms developed to predict the effect of sequence changes on RNA splicing suggest that this variant may disrupt the consensus splice site, but this prediction has not been confirmed by published transcriptional studies. Disruption of this splice site has been observed in individuals with neurofibromatosis type 1 (PMID: 10712197, Invitae). ClinVar contains an entry for this variant (Variation ID: 404573). This variant is not present in population databases (ExAC no frequency). This sequence change affects an acceptor splice site in intron 43 of the NF1 gene. It is expected to disrupt RNA splicing. Variants that disrupt the donor or acceptor splice site typically lead to a loss of protein function (PMID: 16199547), and loss-of-function variants in NF1 are known to be pathogenic (PMID: 10712197, 23913538).

Literature cited by the submitters: PubMed 10712197 (cited by Labcorp Genetics (formerly Invitae), Labcorp); PubMed 16199547 (cited by Labcorp Genetics (formerly Invitae), Labcorp); PubMed 23913538 (cited by Labcorp Genetics (formerly Invitae), Labcorp).

NM_001042492.3(NF1):c.6705-1G>C

Gene: NF1 (neurofibromin 1; plus strand). Cytogenetic location: 17q11.2.
Variant type: single nucleotide variant.
Coding change: c.6705-1G>C on transcript NM_001042492.3 (MANE Select); the canonical splice acceptor site of the intron before coding-DNA position 6705, G replaced by C.
Molecular consequence: splice acceptor variant.
Genome position (GRCh38, 1-based): chr17:31,338,024, G>C. VCF-style: chr17-31338024-G-C. GRCh37 (hg19) VCF-style: chr17-29665042-G-C.
Other names: c.6642-1G>C (NM_000267.4).
Identifiers: ClinVar variation 404573 (VCV000404573.9), dbSNP rs1060500356, ClinGen allele CA16615285.
Genomic context (GRCh38, chr17:31,338,024, plus strand): 5'-TATTATTTAGTATATATAAACACAAAGGTTTTTATAAGTTCTGTGGATCTTTTAATTGCA[G>C]ATTTGCATTCCAATATAATCCATCCCTGCAACCAAGAGCTCTTGTTGTCTTTGGGTGTAT-3'